The following is an entry in ClinVar:

ClinVar aggregate classification (germline): Conflicting classifications of pathogenicity. Review status: criteria provided, conflicting classifications (1 of 4 stars). 5 submissions from 5 submitters: Uncertain significance (3); Likely benign (1). 1 of the submissions does not count toward it. Last evaluated 2023-12-01.

Conditions:
Microcephaly 4, primary, autosomal recessive. Identifiers: Orphanet 2512, MedGen C1858516, MONDO:0011437, OMIM 604321.
Inborn genetic diseases. Identifiers: MedGen C0950123, MeSH D030342.

Allele frequency attached by ClinVar (database versions not stated): gnomAD 0.00006; TOPMed 0.00024; ESP Exome Variant Server 0.00025.
gnomAD v4.1: 225 of 1,613,466 alleles (0.014%); highest among the groups gnomAD compares: Middle Eastern, 0.083%; no homozygotes.

Submissions (5):

CeGaT Center for Human Genetics Tuebingen
Classification: Uncertain significance. Last evaluated: 2023-12-01. Review status: criteria provided, single submitter. Criteria: CeGaT Center For Human Genetics Tuebingen Variant Classification Criteria Version 2. Collection method: clinical testing. Allele origin: germline. Affected: yes. Observed: 1 variant allele.
Comment: KNL1: PM2:Supporting, BP4

Ambry Genetics
Classification: Likely benign for Inborn genetic diseases. Last evaluated: 2022-10-19. Review status: criteria provided, single submitter. Criteria: Ambry Variant Classification Scheme 2023. Collection method: clinical testing. Allele origin: germline.

Illumina Laboratory Services, Illumina
Classification: Uncertain significance for Microcephaly 4, primary, autosomal recessive. Last evaluated: 2018-01-13. Review status: criteria provided, single submitter. Criteria: ICSL Variant Classification Criteria 13 December 2019. Collection method: clinical testing. Allele origin: germline.

Breakthrough Genomics
Classification: Uncertain significance. Review status: criteria provided, single submitter. Criteria: ACMG Guidelines, 2015. Collection method: not provided. Allele origin: germline. Inheritance: Autosomal recessive inheritance. Affected: yes.

Service de Génétique Moléculaire, Hôpital Robert Debré
Classification: Likely benign for Microcephaly 4, primary, autosomal recessive. Review status: no assertion criteria provided. Collection method: clinical testing. Allele origin: unknown. Affected: yes. Not counted in ClinVar's aggregate classification.

NM_144508.5(KNL1):c.3573A>G (p.Ile1191Met)

Gene: KNL1 (kinetochore scaffold 1; plus strand). Cytogenetic location: 15q15.1.
Variant type: single nucleotide variant.
Coding change: c.3573A>G on transcript NM_144508.5 (MANE Select); coding-DNA position 3573, A replaced by G.
Protein change: p.Ile1191Met; replaces isoleucine 1191 with methionine.
Molecular consequence: missense variant.
Genome position (GRCh38, 1-based): chr15:40,623,837, A>G. VCF-style: chr15-40623837-A-G. GRCh37 (hg19) VCF-style: chr15-40916035-A-G.
Other names: c.3651A>G, p.Ile1217Met (NM_170589.5); c.3651A>G (NM_170589.3); short protein forms I1191M, I1217M.
Identifiers: ClinVar variation 315857 (VCV000315857.30), dbSNP rs200222327, ClinGen allele CA7483038.